The following is an entry in ClinVar:

NM_006755.2(TALDO1):c.576C>T (p.Arg192=)

Genes: TALDO1 (transaldolase 1; plus strand), LOC126861110 (CDK7 strongly-dependent group 2 enhancer GRCh37_chr11:762588-763787; plus strand). Cytogenetic location: 11p15.5.
Variant type: single nucleotide variant.
Coding change: c.576C>T on transcript NM_006755.2 (MANE Select); coding-DNA position 576, C replaced by T.
Protein change: p.Arg192=; no amino-acid change (arginine 192 retained).
Molecular consequence: synonymous variant.
Genome position (GRCh38, 1-based): chr11:763,458, C>T. VCF-style: chr11-763458-C-T. GRCh37 (hg19) VCF-style: chr11-763458-C-T.
Other names: c.576C>T (NM_006755.1).
Identifiers: ClinVar variation 4761248 (VCV004761248.2).
Genomic context (GRCh38, chr11:763,458, plus strand): 5'-CGCCCAGGCTGTGGCCTGTGCCGAGGCGGGTGTGACCCTCATCTCCCCATTTGTTGGGCG[C>T]ATCCTTGATTGGCATGTGGCAAACACCGACAAGAAATCCTATGAGCCCCTGGAAGACCCT-3'
Protein context (NP_006746.1, residues 182-202): GVTLISPFVG[Arg192=]ILDWHVANTD

ClinVar aggregate classification (germline): Likely benign. Review status: criteria provided, multiple submitters, no conflicts (2 of 4 stars). 2 submissions from 2 submitters: Likely benign (2). Last evaluated 2026-09-11.

Conditions:
TALDO1-related disorder. Also called: TALDO1-related condition.

gnomAD v4.1: 2 of 1,613,698 alleles (0.00012%); highest among the groups gnomAD compares: Admixed American, 0.0033%; no homozygotes.

Submissions (2):

PreventionGenetics, part of Exact Sciences
Classification: Likely benign for TALDO1-related condition. Last evaluated: 2026-09-11. Review status: criteria provided, single submitter. Criteria: ACMG Guidelines, 2015. Collection method: clinical testing. Allele origin: germline.
Comment: This variant is classified as likely benign based on ACMG/AMP sequence variant interpretation guidelines (Richards et al. 2015 PMID: 25741868, with internal and published modifications).

Labcorp Genetics (formerly Invitae), Labcorp
Classification: Likely benign. Last evaluated: 2025-10-06. Review status: criteria provided, single submitter. Criteria: Invitae Variant Classification Sherloc (09022015). Collection method: clinical testing. Allele origin: germline.